The following is an entry in ClinVar:

ClinVar aggregate classification (germline): Uncertain significance (1 of 4 stars; one submission).

Allele frequency attached by ClinVar (database versions not stated): gnomAD exomes 0.00003; ExAC 0.00009.

Submission:

Labcorp Genetics (formerly Invitae), Labcorp
Classification: Uncertain significance. Last evaluated: 2022-02-12. Review status: criteria provided, single submitter. Criteria: Invitae Variant Classification Sherloc (09022015). Collection method: clinical testing. Allele origin: germline.
Comment: This variant has not been reported in the literature in individuals affected with TRMT10C-related conditions. In summary, the available evidence is currently insufficient to determine the role of this variant in disease. Therefore, it has been classified as a Variant of Uncertain Significance. Algorithms developed to predict the effect of missense changes on protein structure and function output the following: SIFT: "Tolerated"; PolyPhen-2: "Benign"; Align-GVGD: "Class C0". The alanine amino acid residue is found in multiple mammalian species, which suggests that this missense change does not adversely affect protein function. This variant is present in population databases (rs749109742, gnomAD 0.06%), and has an allele count higher than expected for a pathogenic variant. This sequence change replaces proline, which is neutral and non-polar, with alanine, which is neutral and non-polar, at codon 57 of the TRMT10C protein (p.Pro57Ala).

NM_017819.4(TRMT10C):c.169C>G (p.Pro57Ala)

Gene: TRMT10C (tRNA methyltransferase 10C, mitochondrial RNase P subunit; plus strand). Cytogenetic location: 3q12.3.
Variant type: single nucleotide variant.
Coding change: c.169C>G on transcript NM_017819.4 (MANE Select); coding-DNA position 169, C replaced by G.
Protein change: p.Pro57Ala; replaces proline 57 with alanine.
Molecular consequence: missense variant.
Genome position (GRCh38, 1-based): chr3:101,564,950, C>G. VCF-style: chr3-101564950-C-G. GRCh37 (hg19) VCF-style: chr3-101283794-C-G.
Other names: short protein forms P57A.
Identifiers: ClinVar variation 1985029 (VCV001985029.4), dbSNP rs749109742, ClinGen allele CA2520476.